The following is an entry in ClinVar:

ClinVar aggregate classification (germline): Uncertain significance. Review status: criteria provided, multiple submitters, no conflicts (2 of 4 stars). 3 submissions from 3 submitters: Uncertain significance (3). Last evaluated 2023-08-21.

Conditions:
Developmental and epileptic encephalopathy, 34 (DEE34). Also called: SLC12A5-Related Epilepsy of Infancy with Migrating Focal Seizures; Early infantile epileptic encephalopathy 34. Identifiers: Orphanet 293181, MedGen C4225257, MONDO:0014718, OMIM 616645.

Allele frequency attached by ClinVar (database versions not stated): ExAC 0.00015; gnomAD exomes 0.00016 and 0.00017; gnomAD 0.00009 and 0.00010; TOPMed 0.00011.

Submissions (3):

Ambry Genetics
Classification: Uncertain significance. Last evaluated: 2023-08-21. Review status: criteria provided, single submitter. Criteria: Ambry Variant Classification Scheme 2023. Collection method: clinical testing. Allele origin: germline.

Labcorp Genetics (formerly Invitae), Labcorp
Classification: Uncertain significance for Developmental and epileptic encephalopathy, 34. Last evaluated: 2022-06-13. Review status: criteria provided, single submitter. Criteria: Invitae Variant Classification Sherloc (09022015). Collection method: clinical testing. Allele origin: germline.
Comment: This sequence change replaces proline, which is neutral and non-polar, with leucine, which is neutral and non-polar, at codon 95 of the SLC12A5 protein (p.Pro95Leu). This variant is present in population databases (rs780511606, gnomAD 0.06%). This variant has not been reported in the literature in individuals affected with SLC12A5-related conditions. ClinVar contains an entry for this variant (Variation ID: 377102). Advanced modeling of protein sequence and biophysical properties (such as structural, functional, and spatial information, amino acid conservation, physicochemical variation, residue mobility, and thermodynamic stability) performed at Invitae indicates that this missense variant is expected to disrupt SLC12A5 protein function. In summary, the available evidence is currently insufficient to determine the role of this variant in disease. Therefore, it has been classified as a Variant of Uncertain Significance.

Center for Pediatric Genomic Medicine, Children's Mercy Hospital and Clinics
Classification: Uncertain significance. Last evaluated: 2016-08-05. Review status: criteria provided, single submitter. Criteria: ACMG Guidelines, 2015. Collection method: clinical testing. Allele origin: germline.
ClinVar note: Converted during submission from Uncertain Significance to Uncertain significance.

NM_020708.5(SLC12A5):c.284C>T (p.Pro95Leu)

Gene: SLC12A5 (solute carrier family 12 member 5; plus strand). Cytogenetic location: 20q13.12.
Variant type: single nucleotide variant.
Coding change: c.284C>T on transcript NM_020708.5 (MANE Select); coding-DNA position 284, C replaced by T.
Protein change: p.Pro95Leu; replaces proline 95 with leucine.
Molecular consequence: missense variant.
Genome position (GRCh38, 1-based): chr20:46,035,781, C>T. VCF-style: chr20-46035781-C-T. GRCh37 (hg19) VCF-style: chr20-44664420-C-T.
Other names: c.353C>T (NM_001134771.1); c.353C>T, p.Pro118Leu (NM_001134771.2); short protein forms P118L, P95L.
Identifiers: ClinVar variation 377102 (VCV000377102.9), dbSNP rs780511606, ClinGen allele CA9887030.